The following is an entry in ClinVar:

ClinVar aggregate classification (germline): Uncertain significance. Review status: criteria provided, multiple submitters, no conflicts (2 of 4 stars). 5 submissions from 5 submitters: Uncertain significance (4). 1 of the submissions does not count toward it. Last evaluated 2023-04-11.

Conditions:
Familial medullary thyroid carcinoma (MTC). Also called: Thyroid cancer, familial medullary; MTC, familial; Familial Medullary Thyroid Carcinoma (FMTC). Identifiers: Orphanet 653, Orphanet 99361, MedGen C1833921, MONDO:0007958, OMIM 155240.
Hereditary insensitivity to pain with anhidrosis (CIPA). Also called: INSENSITIVITY TO PAIN, CONGENITAL, WITH ANHIDROSIS; HSAN Type IV; NTRK1 Congenital Insensitivity to Pain with Anhidrosis; FAMILIAL DYSAUTONOMIA, TYPE II; NEUROPATHY, CONGENITAL SENSORY, WITH ANHIDROSIS; hereditary sensory and autonomic neuropathy type 4. Identifiers: Orphanet 642, MedGen C0020074, MONDO:0009746, OMIM 256800.

Allele frequency attached by ClinVar (database versions not stated): gnomAD 0.00001; TOPMed 0.00002.
gnomAD v4.1: 30 of 1,614,052 alleles (0.0019%); highest among the groups gnomAD compares: South Asian, 0.019%; no homozygotes.

Submissions (7):

Genome-Nilou Lab
Classification: Uncertain significance for Hereditary insensitivity to pain with anhidrosis. Last evaluated: 2023-04-11. Review status: criteria provided, single submitter. Criteria: ACMG Guidelines, 2015. Collection method: clinical testing. Allele origin: germline. Affected: no.

Labcorp Genetics (formerly Invitae), Labcorp
Classification: Uncertain significance for Hereditary insensitivity to pain with anhidrosis. Last evaluated: 2021-08-30. Review status: criteria provided, single submitter. Criteria: Invitae Variant Classification Sherloc (09022015). Collection method: clinical testing. Allele origin: germline.
Comment: This sequence change replaces asparagine with serine at codon 281 of the NTRK1 protein (p.Asn281Ser). The asparagine residue is moderately conserved and there is a small physicochemical difference between asparagine and serine. This variant is not present in population databases (ExAC no frequency). This variant has not been reported in the literature in individuals affected with NTRK1-related conditions. ClinVar contains an entry for this variant (Variation ID: 584598). Advanced modeling of protein sequence and biophysical properties (such as structural, functional, and spatial information, amino acid conservation, physicochemical variation, residue mobility, and thermodynamic stability) performed at Invitae indicates that this missense variant is not expected to disrupt NTRK1 protein function. Algorithms developed to predict the effect of sequence changes on RNA splicing suggest that this variant may create or strengthen a splice site. In summary, the available evidence is currently insufficient to determine the role of this variant in disease. Therefore, it has been classified as a Variant of Uncertain Significance.

GeneDx
Classification: Uncertain significance. Last evaluated: 2020-10-26. Review status: criteria provided, single submitter. Criteria: GeneDx Variant Classification Process June 2021. Collection method: clinical testing. Allele origin: germline. Affected: yes.
Comment: In silico analysis supports that this missense variant does not alter protein structure/function; In silico analysis, which includes splice predictors and evolutionary conservation, suggests this variant may impact gene splicing. In the absence of RNA/functional studies, the actual effect of this sequence change is unknown.; Has not been previously published as pathogenic or benign to our knowledge

Mendelics
Classification: Uncertain significance for Familial medullary thyroid carcinoma. Last evaluated: 2018-07-02. Review status: criteria provided, single submitter. Criteria: Mendelics Assertion Criteria 2017. Collection method: clinical testing. Allele origin: unknown.

Natera, Inc.
Classification: Uncertain significance for Hereditary insensitivity to pain with anhidrosis. Last evaluated: 2020-04-17. Review status: no assertion criteria provided. Collection method: clinical testing. Allele origin: germline. Not counted in ClinVar's aggregate classification.

Dr. Peter K. Rogan Lab, Western University
No classification provided (evidence only). Condition: Nonpapillary renal cell carcinoma. Review status: no classification provided. Collection method: in vitro. Allele origin: not applicable. Functional consequence: retained intron. Not counted in ClinVar's aggregate classification.

Dr. Peter K. Rogan Lab, Western University
No classification provided (evidence only). Condition: Nonpapillary renal cell carcinoma. Review status: no classification provided. Collection method: in vitro. Allele origin: not applicable. Functional consequence: retained intron. Not counted in ClinVar's aggregate classification.

NM_002529.4(NTRK1):c.842A>G (p.Asn281Ser)

Gene: NTRK1 (neurotrophic receptor tyrosine kinase 1; plus strand). Cytogenetic location: 1q23.1.
Variant type: single nucleotide variant.
Coding change: c.842A>G on transcript NM_002529.4 (MANE Select); coding-DNA position 842, A replaced by G.
Protein change: p.Asn281Ser; replaces asparagine 281 with serine.
Molecular consequence: missense variant.
Genome position (GRCh38, 1-based): chr1:156,871,747, A>G. VCF-style: chr1-156871747-A-G. GRCh37 (hg19) VCF-style: chr1-156841539-A-G.
Other names: c.752A>G, p.Asn251Ser (NM_001007792.1); c.842A>G, p.Asn281Ser (NM_001012331.2); short protein forms N251S, N281S.
Identifiers: ClinVar variation 584598 (VCV000584598.8), dbSNP rs547972574, ClinGen allele CA31113433.